The following is an entry in ClinVar:

ClinVar aggregate classification (germline): Benign. Review status: criteria provided, multiple submitters, no conflicts (2 of 4 stars). 3 submissions from 3 submitters: Benign (3). Last evaluated 2018-07-13.

Allele frequency attached by ClinVar (database versions not stated): 1000 Genomes Project 30x 0.16505; ExAC 0.18705.

Submissions (3):

GeneDx
Classification: Benign. Last evaluated: 2018-07-13. Review status: criteria provided, single submitter. Criteria: GeneDx Variant Classification Process June 2021. Collection method: clinical testing. Allele origin: germline. Affected: yes.
Comment: This variant is associated with the following publications: (PMID: 25363768)

Labcorp Genetics (formerly Invitae), Labcorp
Classification: Benign. Last evaluated: 2018-03-28. Review status: criteria provided, single submitter. Criteria: Invitae Variant Classification Sherloc (09022015). Collection method: clinical testing. Allele origin: germline.

Breakthrough Genomics
Classification: Benign. Review status: criteria provided, single submitter. Criteria: ACMG Guidelines, 2015. Collection method: not provided. Allele origin: germline. Inheritance: Unknown mechanism. Affected: yes.

NM_177551.4(HCAR2):c.951G>A (p.Met317Ile)

Gene: HCAR2 (hydroxycarboxylic acid receptor 2; minus strand). Cytogenetic location: 12q24.31.
Variant type: single nucleotide variant.
Coding change: c.951G>A on transcript NM_177551.4 (MANE Select); coding-DNA position 951, G replaced by A.
Protein change: p.Met317Ile; replaces methionine 317 with isoleucine.
Molecular consequence: missense variant.
Genome position (GRCh38, 1-based): chr12:122,702,333, C>T on the plus strand (G>A on the coding strand, the complement: HCAR2 is on the minus strand). VCF-style: chr12-122702333-C-T. GRCh37 (hg19) VCF-style: chr12-123186880-C-T.
Other names: short protein forms M317I.
Identifiers: ClinVar variation 770415 (VCV000770415.6), dbSNP rs2454727, ClinGen allele CA6849302.